The following is an entry in ClinVar:

NM_001492.6(GDF1):c.909dup (p.Val304fs)

Genes: CERS1 (ceramide synthase 1; minus strand), GDF1 (growth differentiation factor 1; minus strand). Cytogenetic location: 19p13.11.
Variant type: Duplication.
Coding change: c.909dup on transcript NM_001492.6 (MANE Select); coding-DNA position 909, one base duplicated (C; older notation c.909dupC).
Protein change: p.Val304fs; shifts the reading frame from valine 304.
Molecular consequence: frameshift variant. On other transcripts: 3 prime UTR variant (2).
Genome position (GRCh38, 1-based): chr19:18,868,807, G duplicated on the plus strand (C on the coding strand, the reverse complement: GDF1 is on the minus strand); the first of 3 consecutive G bases (chr19:18,868,807-18,868,809); duplicating any one gives the same sequence. VCF-style (leftmost placement, unchanged base first): chr19-18868806-C-CG. GRCh37 (hg19) VCF-style: chr19-18979615-C-CG.
Other names: c.*1770dup (NM_001387440.1); c.*1178dup (NM_021267.5); c.909dup, p.Val304fs (NM_001387438.1); short protein forms V304fs.
Identifiers: ClinVar variation 65389 (VCV000065389.45), dbSNP rs606231383, ClinGen allele CA213081.

ClinVar aggregate classification (germline): Pathogenic/Likely pathogenic. Review status: criteria provided, multiple submitters, no conflicts (2 of 4 stars). 6 submissions from 6 submitters: Pathogenic (2); Likely pathogenic (3). 1 of the submissions does not count toward it. Last evaluated 2024-06-12.

Conditions:
GDF1-RELATED DISORDERS.
Right atrial isomerism (RAI). Also called: IVEMARK SYNDROME. Identifiers: Orphanet 97548, MedGen C3178806, MONDO:0008832, OMIM 208530, HP:0011536.
Congenital heart defects, multiple types, 6 (CHTD6). Identifiers: Orphanet 860, MedGen C3151221, MONDO:0013463, OMIM 613854.

Submissions (6):

Blueprint Genetics
Classification: Likely pathogenic for GDF1-related disorders. Last evaluated: 2024-06-12. Review status: criteria provided, single submitter. Criteria: ACMG Guidelines, 2015. Collection method: clinical testing. Allele origin: germline. Affected: yes. Observed: 5 variant alleles.

Labcorp Genetics (formerly Invitae), Labcorp
Classification: Pathogenic. Last evaluated: 2023-09-28. Review status: criteria provided, single submitter. Criteria: Invitae Variant Classification Sherloc (09022015). Collection method: clinical testing. Allele origin: germline.
Comment: This sequence change creates a premature translational stop signal (p.Val304Argfs*48) in the GDF1 gene. While this is not anticipated to result in nonsense mediated decay, it is expected to disrupt the last 69 amino acid(s) of the GDF1 protein. This variant is present in population databases (rs606231383, gnomAD 0.1%). This premature translational stop signal has been observed in individual(s) with clinical features of GDF1-related conditions and/or right atrial isomerism (PMID: 20413652, 34486251). It has also been observed to segregate with disease in related individuals. This variant is also known as c.909insC. ClinVar contains an entry for this variant (Variation ID: 65389). For these reasons, this variant has been classified as Pathogenic.

Department of Pathology and Laboratory Medicine, Sinai Health System
Classification: Likely pathogenic for Congenital heart defects, multiple types, 6; Right atrial isomerism. Last evaluated: 2023-05-01. Review status: criteria provided, single submitter. Criteria: ACMG Guidelines, 2015. Collection method: research. Allele origin: germline.

CeGaT Center for Human Genetics Tuebingen
Classification: Likely pathogenic. Last evaluated: 2022-06-01. Review status: criteria provided, single submitter. Criteria: CeGaT Center For Human Genetics Tuebingen Variant Classification Criteria Version 2. Collection method: clinical testing. Allele origin: germline. Affected: yes. Observed: 3 variant alleles.
Comment: GDF1: PVS1:Strong, PM2

Institute of Human Genetics, Medical University Innsbruck
Classification: Pathogenic for Right atrial isomerism. Review status: criteria provided, single submitter. Criteria: ACMG Guidelines, 2015. Collection method: clinical testing. Allele origin: germline. Affected: yes.

OMIM
Classification: Pathogenic for RIGHT ATRIAL ISOMERISM. Last evaluated: 2010-07-15. Review status: no assertion criteria provided. Collection method: literature only. Allele origin: germline. Not counted in ClinVar's aggregate classification.

Literature cited by the submitters: PubMed 20413652 (cited by Labcorp Genetics (formerly Invitae), Labcorp and OMIM); PubMed 34486251 (cited by Labcorp Genetics (formerly Invitae), Labcorp).